The following is an entry in ClinVar:

ClinVar aggregate classification (germline): Uncertain significance (1 of 4 stars; one submission).

Allele frequency attached by ClinVar (database versions not stated): gnomAD 0.00001; TOPMed 0.00002; gnomAD exomes 0.00004.
gnomAD v4.1: 37 of 1,488,826 alleles (0.0025%); highest among the groups gnomAD compares: South Asian, 0.0084%; no homozygotes.

Submission:

Labcorp Genetics (formerly Invitae), Labcorp
Classification: Uncertain significance. Last evaluated: 2025-03-12. Review status: criteria provided, single submitter. Criteria: Invitae Variant Classification Sherloc (09022015). Collection method: clinical testing. Allele origin: germline.
Comment: This sequence change replaces arginine, which is basic and polar, with glutamine, which is neutral and polar, at codon 1308 of the SBF1 protein (p.Arg1308Gln). The frequency data for this variant in the population databases is considered unreliable, as metrics indicate poor data quality at this position in the gnomAD database. This variant has not been reported in the literature in individuals affected with SBF1-related conditions. ClinVar contains an entry for this variant (Variation ID: 1408287). Invitae Evidence Modeling of protein sequence and biophysical properties (such as structural, functional, and spatial information, amino acid conservation, physicochemical variation, residue mobility, and thermodynamic stability) has been performed for this missense variant. However, the output from this modeling did not meet the statistical confidence thresholds required to predict the impact of this variant on SBF1 protein function. In summary, the available evidence is currently insufficient to determine the role of this variant in disease. Therefore, it has been classified as a Variant of Uncertain Significance.

NM_002972.4(SBF1):c.3923G>A (p.Arg1308Gln)

Gene: SBF1 (SET binding factor 1; minus strand). Cytogenetic location: 22q13.33.
Variant type: single nucleotide variant.
Coding change: c.3923G>A on transcript NM_002972.4 (MANE Select); coding-DNA position 3923, G replaced by A.
Protein change: p.Arg1308Gln; replaces arginine 1308 with glutamine.
Molecular consequence: missense variant.
Genome position (GRCh38, 1-based): chr22:50,456,655, C>T on the plus strand (G>A on the coding strand, the complement: SBF1 is on the minus strand). VCF-style: chr22-50456655-C-T. GRCh37 (hg19) VCF-style: chr22-50895084-C-T.
Other names: c.3848G>A, p.Arg1283Gln (NM_001365819.1); short protein forms R1283Q, R1308Q.
Identifiers: ClinVar variation 1408287 (VCV001408287.6), dbSNP rs778601233, ClinGen allele CA10316471.